The following is an entry in ClinVar:

NM_001360.3(DHCR7):c.1359C>T (p.Ser453=)

Gene: DHCR7 (7-dehydrocholesterol reductase; minus strand). Cytogenetic location: 11q13.4.
Variant type: single nucleotide variant.
Coding change: c.1359C>T on transcript NM_001360.3 (MANE Select); coding-DNA position 1359, C replaced by T.
Protein change: p.Ser453=; no amino-acid change (serine 453 retained).
Molecular consequence: synonymous variant.
Genome position (GRCh38, 1-based): chr11:71,435,444, G>A on the plus strand (C>T on the coding strand, the complement: DHCR7 is on the minus strand). VCF-style: chr11-71435444-G-A. GRCh37 (hg19) VCF-style: chr11-71146490-G-A.
Other names: c.1359C>T, p.Ser453= (NM_001163817.2).
Identifiers: ClinVar variation 2127833 (VCV002127833.4), dbSNP rs2539207895, ClinGen allele CA475565883.

ClinVar aggregate classification (germline): Uncertain significance (1 of 4 stars; one submission).

Conditions:
Smith-Lemli-Opitz syndrome (SLOS). Also called: 7-Dehydrocholesterol reductase deficiency; LETHAL ACRODYSGENITAL SYNDROME; POLYDACTYLY, SEX REVERSAL, RENAL HYPOPLASIA, AND UNILOBAR LUNG; RSH SYNDROME; RUTLEDGE LETHAL MULTIPLE CONGENITAL ANOMALY SYNDROME. Identifiers: Orphanet 818, MedGen C0175694, MONDO:0010035, OMIM 270400.

Submission:

Labcorp Genetics (formerly Invitae), Labcorp
Classification: Uncertain significance for Smith-Lemli-Opitz syndrome. Last evaluated: 2022-04-18. Review status: criteria provided, single submitter. Criteria: Invitae Variant Classification Sherloc (09022015). Collection method: clinical testing. Allele origin: germline.
Comment: In summary, the available evidence is currently insufficient to determine the role of this variant in disease. Therefore, it has been classified as a Variant of Uncertain Significance. Algorithms developed to predict the effect of sequence changes on RNA splicing suggest that this variant may create or strengthen a splice site. This variant has not been reported in the literature in individuals affected with DHCR7-related conditions. This variant is not present in population databases (gnomAD no frequency). This sequence change affects codon 453 of the DHCR7 mRNA. It is a 'silent' change, meaning that it does not change the encoded amino acid sequence of the DHCR7 protein.